The following is an entry in ClinVar:

NM_001377.3(DYNC2H1):c.12010C>T (p.Arg4004Cys)

Gene: DYNC2H1 (dynein cytoplasmic 2 heavy chain 1; plus strand). Cytogenetic location: 11q22.3.
Variant type: single nucleotide variant.
Coding change: c.12010C>T on transcript NM_001377.3 (MANE Select); coding-DNA position 12010, C replaced by T.
Protein change: p.Arg4004Cys; replaces arginine 4004 with cysteine.
Molecular consequence: missense variant.
Genome position (GRCh38, 1-based): chr11:103,323,961, C>T. VCF-style: chr11-103323961-C-T. GRCh37 (hg19) VCF-style: chr11-103194689-C-T.
Other names: c.12031C>T (NM_001080463.1); c.12031C>T, p.Arg4011Cys (NM_001080463.2); short protein forms R4004C, R4011C.
Identifiers: ClinVar variation 1435604 (VCV001435604.5), dbSNP rs768839818, ClinGen allele CA6255430.

ClinVar aggregate classification (germline): Uncertain significance. Review status: criteria provided, multiple submitters, no conflicts (2 of 4 stars). 2 submissions from 2 submitters: Uncertain significance (2). Last evaluated 2025-05-03.

Conditions:
Inborn genetic diseases. Identifiers: MedGen C0950123, MeSH D030342.
Jeune thoracic dystrophy. Also called: Short-rib thoracic dysplasia; Jeune syndrome; Infantile thoracic dystrophy; Thoracic pelvic phalangeal dystrophy; Jeune's syndrome; Chondroectodermal dysplasia-like syndrome. Identifiers: Orphanet 474, MedGen C0265275, MONDO:0018770.

Allele frequency attached by ClinVar (database versions not stated): ExAC 0.00002; gnomAD exomes 0.00002.
gnomAD v4.1: 26 of 1,612,106 alleles (0.0016%); highest among the groups gnomAD compares: African/African-American, 0.008%; no homozygotes.

Submissions (2):

Ambry Genetics
Classification: Uncertain significance for Inborn genetic diseases. Last evaluated: 2025-05-03. Review status: criteria provided, single submitter. Criteria: Ambry Variant Classification Scheme 2023. Collection method: clinical testing. Allele origin: germline.

Labcorp Genetics (formerly Invitae), Labcorp
Classification: Uncertain significance for Jeune thoracic dystrophy. Last evaluated: 2024-06-25. Review status: criteria provided, single submitter. Criteria: Invitae Variant Classification Sherloc (09022015). Collection method: clinical testing. Allele origin: germline.
Comment: This sequence change replaces arginine, which is basic and polar, with cysteine, which is neutral and slightly polar, at codon 4011 of the DYNC2H1 protein (p.Arg4011Cys). This variant is present in population databases (rs768839818, gnomAD 0.01%). This variant has not been reported in the literature in individuals affected with DYNC2H1-related conditions. ClinVar contains an entry for this variant (Variation ID: 1435604). Advanced modeling of protein sequence and biophysical properties (such as structural, functional, and spatial information, amino acid conservation, physicochemical variation, residue mobility, and thermodynamic stability) performed at Invitae indicates that this missense variant is expected to disrupt DYNC2H1 protein function with a positive predictive value of 95%. In summary, the available evidence is currently insufficient to determine the role of this variant in disease. Therefore, it has been classified as a Variant of Uncertain Significance.